The following is an entry in ClinVar:

ClinVar aggregate classification (germline): Uncertain significance (1 of 4 stars; one submission).

Conditions:
Congenital neutropenia-myelofibrosis-nephromegaly syndrome. Also called: Severe congenital neutropenia 5, autosomal recessive. Identifiers: Orphanet 369852, MedGen C3809031, MONDO:0014118, OMIM 615285.

Submission:

Labcorp Genetics (formerly Invitae), Labcorp
Classification: Uncertain significance for Congenital neutropenia-myelofibrosis-nephromegaly syndrome. Last evaluated: 2022-10-24. Review status: criteria provided, single submitter. Criteria: Invitae Variant Classification Sherloc (09022015). Collection method: clinical testing. Allele origin: germline.
Comment: In summary, the available evidence is currently insufficient to determine the role of this variant in disease. Therefore, it has been classified as a Variant of Uncertain Significance. Advanced modeling of protein sequence and biophysical properties (such as structural, functional, and spatial information, amino acid conservation, physicochemical variation, residue mobility, and thermodynamic stability) performed at Invitae indicates that this missense variant is not expected to disrupt VPS45 protein function. This variant has not been reported in the literature in individuals affected with VPS45-related conditions. This variant is not present in population databases (gnomAD no frequency). This sequence change replaces threonine, which is neutral and polar, with alanine, which is neutral and non-polar, at codon 207 of the VPS45 protein (p.Thr207Ala).

NM_007259.5(VPS45):c.619A>G (p.Thr207Ala)

Gene: VPS45 (vacuolar protein sorting 45 homolog; plus strand). Cytogenetic location: 1q21.2.
Variant type: single nucleotide variant.
Coding change: c.619A>G on transcript NM_007259.5 (MANE Select); coding-DNA position 619, A replaced by G.
Protein change: p.Thr207Ala; replaces threonine 207 with alanine.
Molecular consequence: missense variant. On other transcripts: non-coding transcript variant (1).
Genome position (GRCh38, 1-based): chr1:150,077,711, A>G. VCF-style: chr1-150077711-A-G. GRCh37 (hg19) VCF-style: chr1-150049789-A-G.
Other names: c.304A>G, p.Thr102Ala (NM_001279353.2); c.511A>G, p.Thr171Ala (NM_001279354.2); short protein forms T171A, T207A, T102A.
Identifiers: ClinVar variation 2005731 (VCV002005731.4), dbSNP rs2526104678, ClinGen allele CA342250217.